The following is an entry in ClinVar:

NM_001110219.3(GJB6):c.487del (p.Leu163fs)

Gene: GJB6 (gap junction protein beta 6; minus strand). Cytogenetic location: 13q12.11.
Variant type: Deletion.
Coding change: c.487del on transcript NM_001110219.3 (MANE Select); coding-DNA position 487, one base deleted (C; older notation c.487delC).
Protein change: p.Leu163fs; shifts the reading frame from leucine 163.
Molecular consequence: frameshift variant.
Genome position (GRCh38, 1-based): chr13:20,222,994, G deleted on the plus strand (C on the coding strand, the reverse complement: GJB6 is on the minus strand); the first of 2 consecutive G bases (chr13:20,222,994-20,222,995); deleting either gives the same sequence. VCF-style (leftmost placement, unchanged base first): chr13-20222993-AG-A. GRCh37 (hg19) VCF-style: chr13-20797132-AG-A.
Other names: c.487del, p.Leu163fs (NM_001110220.3, NM_001110221.3, NM_001370090.1 and 3 more transcripts); c.487delC (NM_006783.4); short protein forms L163fs.
Identifiers: ClinVar variation 561265 (VCV000561265.4), dbSNP rs1566538321, ClinGen allele CA658823444.

ClinVar aggregate classification (germline): Likely pathogenic (1 of 4 stars; one submission).

Conditions:
Nonsyndromic Deafness. Also called: Non-syndromic hearing loss; Nonsyndromic hearing loss. Identifiers: MedGen C3711374, MeSH C580334.

Submission:

GeneID Lab - Advanced Molecular Diagnostics
Classification: Likely pathogenic for Nonsyndromic Hearing Loss,. Last evaluated: 2018-03-10. Review status: criteria provided, single submitter. Criteria: ACMG Guidelines, 2015. Collection method: clinical testing. Allele origin: germline. Affected: no. Observed: 1 variant allele.
Comment: This variant deletes one nucleotide resulting in an amino acid alteration, replacing a leucine (L) with a cysteine (C) at codon 163 creating a premature stop signal in the new reading frame noted as p. L163Cfs*5. The substitution is predicted to result in a non-functional GJB6 protein, either through protein truncation or nonsense-mediated mRNA decay. This mutation is considered a non-tolerated amino acid change based on in silico prediction algorithms (disease causing), and it has not been reported in the Clinical Variant Database (NCBI National Library of Medicine, NIH) or in population database such as ExAC or 1000 genomes. Based on these findings and the limited literature regarding this substitution we consider it as a likely pathogenic variant.